The following is an entry in ClinVar:

ClinVar aggregate classification (germline): Uncertain significance. Review status: criteria provided, multiple submitters, no conflicts (2 of 4 stars). 2 submissions from 2 submitters: Uncertain significance (2). Last evaluated 2023-07-09.

Conditions:
Colorectal cancer, hereditary nonpolyposis, type 7. Identifiers: Orphanet 144, MedGen C1858380, MONDO:0013725, OMIM 614385.

gnomAD v4.1: 1 of 1,613,422 alleles (0.000062%); highest among the groups gnomAD compares: Non-Finnish European, 0.000085%; no homozygotes.

Submissions (2):

Ambry Genetics
Classification: Uncertain significance. Last evaluated: 2023-07-09. Review status: criteria provided, single submitter. Criteria: Ambry Variant Classification Scheme 2023. Collection method: clinical testing. Allele origin: germline.
Comment: The p.R593K variant (also known as c.1778G>A), located in coding exon 1 of the MLH3 gene, results from a G to A substitution at nucleotide position 1778. The arginine at codon 593 is replaced by lysine, an amino acid with highly similar properties. This amino acid position is conserved. In addition, this alteration is predicted to be tolerated by in silico analysis. Since supporting evidence is limited at this time, the clinical significance of this alteration remains unclear.

Labcorp Genetics (formerly Invitae), Labcorp
Classification: Uncertain significance for Colorectal cancer, hereditary nonpolyposis, type 7. Last evaluated: 2019-05-29. Review status: criteria provided, single submitter. Criteria: Invitae Variant Classification Sherloc (09022015). Collection method: clinical testing. Allele origin: germline.
Comment: This sequence change replaces arginine with lysine at codon 593 of the MLH3 protein (p.Arg593Lys). The arginine residue is weakly conserved and there is a small physicochemical difference between arginine and lysine. This variant is not present in population databases (ExAC no frequency). This variant has not been reported in the literature in individuals with MLH3-related conditions. Algorithms developed to predict the effect of missense changes on protein structure and function output the following: SIFT: "Tolerated"; PolyPhen-2: "Benign"; Align-GVGD: "Class C0". The lysine amino acid residue is found in multiple mammalian species, suggesting that this missense change does not adversely affect protein function. These predictions have not been confirmed by published functional studies and their clinical significance is uncertain. In summary, the available evidence is currently insufficient to determine the role of this variant in disease. Therefore, it has been classified as a Variant of Uncertain Significance.

NM_001040108.2(MLH3):c.1778G>A (p.Arg593Lys)

Gene: MLH3 (mutL homolog 3; minus strand). Cytogenetic location: 14q24.3.
Variant type: single nucleotide variant.
Coding change: c.1778G>A on transcript NM_001040108.2 (MANE Select); coding-DNA position 1778, G replaced by A.
Protein change: p.Arg593Lys; replaces arginine 593 with lysine.
Molecular consequence: missense variant.
Genome position (GRCh38, 1-based): chr14:75,047,878, C>T on the plus strand (G>A on the coding strand, the complement: MLH3 is on the minus strand). VCF-style: chr14-75047878-C-T. GRCh37 (hg19) VCF-style: chr14-75514581-C-T.
Other names: c.1778G>A, p.Arg593Lys (NM_014381.3); short protein forms R593K.
Identifiers: ClinVar variation 838776 (VCV000838776.11), dbSNP rs1892366400, ClinGen allele CA390444335.